The following is an entry in ClinVar:

ClinVar aggregate classification (germline): Uncertain significance (1 of 4 stars; one submission).

Conditions:
Hereditary breast ovarian cancer syndrome. Also called: Hereditary breast and ovarian cancer; Breast and ovarian cancer; BRCA1- and BRCA2-Associated Hereditary Breast and Ovarian Cancer; Hereditary breast and/or ovarian cancer syndrome; Hereditary breast and ovarian cancer syndrome; Hereditary breast and ovarian cancer syndrome (HBOC). Identifiers: Orphanet 145, MedGen C0677776, MeSH D061325, MONDO:0003582. Disease mechanism: loss of function.

Submission:

Labcorp Genetics (formerly Invitae), Labcorp
Classification: Uncertain significance for Hereditary breast ovarian cancer syndrome. Last evaluated: 2024-06-18. Review status: criteria provided, single submitter. Criteria: Invitae Variant Classification Sherloc (09022015). Collection method: clinical testing. Allele origin: germline.
Comment: This variant occurs in a non-coding region of the BRCA2 gene. It does not change the encoded amino acid sequence of the BRCA2 protein. This variant is not present in population databases (gnomAD no frequency). This variant has not been reported in the literature in individuals affected with BRCA2-related conditions. ClinVar contains an entry for this variant (Variation ID: 1505260). Experimental studies and prediction algorithms are not available or were not evaluated, and the functional significance of this variant is currently unknown. In summary, the available evidence is currently insufficient to determine the role of this variant in disease. Therefore, it has been classified as a Variant of Uncertain Significance.

NM_000059.4(BRCA2):c.-43G>A

Genes: BRCA2 (BRCA2 DNA repair associated; plus strand), LOC106721785 (BRCA2 promoter/silencer region; plus strand). Cytogenetic location: 13q13.1.
Variant type: single nucleotide variant.
Coding change: c.-43G>A on transcript NM_000059.4 (MANE Select); 43 bases upstream of the start codon, G replaced by A.
Molecular consequence: 5 prime UTR variant.
Genome position (GRCh38, 1-based): chr13:32,315,664, G>A. VCF-style: chr13-32315664-G-A. GRCh37 (hg19) VCF-style: chr13-32889801-G-A.
Identifiers: ClinVar variation 1505260 (VCV001505260.6), dbSNP rs2138695686, ClinGen allele CA2573149248.